The following is an entry in ClinVar:

ClinVar aggregate classification (germline): Uncertain significance (1 of 4 stars; one submission).

Submission:

Labcorp Genetics (formerly Invitae), Labcorp
Classification: Uncertain significance. Last evaluated: 2024-11-18. Review status: criteria provided, single submitter. Criteria: Invitae Variant Classification Sherloc (09022015). Collection method: clinical testing. Allele origin: germline.
Comment: This sequence change replaces glycine, which is neutral and non-polar, with serine, which is neutral and polar, at codon 388 of the NDUFV1 protein (p.Gly388Ser). This variant also falls at the last nucleotide of exon 8, which is part of the consensus splice site for this exon. This variant is not present in population databases (gnomAD no frequency). This variant has not been reported in the literature in individuals affected with NDUFV1-related conditions. ClinVar contains an entry for this variant (Variation ID: 2022457). Invitae Evidence Modeling of protein sequence and biophysical properties (such as structural, functional, and spatial information, amino acid conservation, physicochemical variation, residue mobility, and thermodynamic stability) indicates that this missense variant is expected to disrupt NDUFV1 protein function with a positive predictive value of 95%. Variants that disrupt the consensus splice site are a relatively common cause of aberrant splicing (PMID: 17576681, 9536098). Algorithms developed to predict the effect of sequence changes on RNA splicing suggest that this variant may disrupt the consensus splice site. In summary, the available evidence is currently insufficient to determine the role of this variant in disease. Therefore, it has been classified as a Variant of Uncertain Significance.

Literature cited by the submitters: PubMed 17576681; PubMed 9536098.

NM_007103.4(NDUFV1):c.1162G>A (p.Gly388Ser)

Genes: NDUFV1 (NADH:ubiquinone oxidoreductase core subunit V1; plus strand), LOC126861242 (CDK7 strongly-dependent group 2 enhancer GRCh37_chr11:67379204-67380403; plus strand). Cytogenetic location: 11q13.2.
Variant type: single nucleotide variant.
Coding change: c.1162G>A on transcript NM_007103.4 (MANE Select); coding-DNA position 1162, G replaced by A.
Protein change: p.Gly388Ser; replaces glycine 388 with serine.
Molecular consequence: missense variant.
Genome position (GRCh38, 1-based): chr11:67,611,978, G>A. VCF-style: chr11-67611978-G-A. GRCh37 (hg19) VCF-style: chr11-67379449-G-A.
Other names: c.1135G>A, p.Gly379Ser (NM_001166102.2); short protein forms G379S, G388S.
Identifiers: ClinVar variation 2022457 (VCV002022457.4), dbSNP rs2495725820, ClinGen allele CA381541938.
Genomic context (GRCh38, chr11:67,611,978, plus strand): 5'-GCCCGCCTCATTGAGTTCTATAAGCACGAGAGCTGTGGCCAGTGTACCCCATGCCGTGAG[G>A]GTGAGCATCGGGCAGGTTGGGGGCTTGCTTGCTGTGGCTTCATTTAACCTCCTCCCCACC-3'
Protein context (NP_009034.2, residues 378-398): SCGQCTPCRE[Gly388Ser]VDWMNKVMAR